The following is an entry in ClinVar:

NC_000023.10:g.(?_9621627)_(9751474_?)dup

Genes: GPR143 (G protein-coupled receptor 143; minus strand), TBL1X (transducin beta like 1 X-linked; plus strand). Cytogenetic location: Xp22.2.
Variant type: Duplication.
Identifiers: ClinVar variation 2422762 (VCV002422762.3).

ClinVar aggregate classification (germline): Uncertain significance (1 of 4 stars; one submission).

Submission:

Labcorp Genetics (formerly Invitae), Labcorp
Classification: Uncertain significance. Last evaluated: 2022-09-22. Review status: criteria provided, single submitter. Criteria: Invitae Variant Classification Sherloc (09022015). Collection method: clinical testing. Allele origin: germline.
Comment: A copy number gain of the genomic region encompassing the full coding sequence of the GPR143 gene has been identified. The boundaries of this event are unknown as they extend beyond the assayed region for this gene and therefore may encompass additional genes. As the precise location of this event is unknown, it may be in tandem or it may be located elsewhere in the genome. This variant has not been reported in the literature in individuals affected with GPR143-related conditions. In summary, the available evidence is currently insufficient to determine the role of this variant in disease. Therefore, it has been classified as a Variant of Uncertain Significance.